The following is an entry in ClinVar:

NM_007118.4(TRIO):c.3067-3_3067-2del

Gene: TRIO (trio Rho guanine nucleotide exchange factor; plus strand). Cytogenetic location: 5p15.2.
Variant type: Microsatellite.
Coding change: c.3067-3_3067-2del on transcript NM_007118.4 (MANE Select); 3 bases into the intron before coding-DNA position 3067 through the canonical splice acceptor site of the intron before coding-DNA position 3067, 2 bases deleted (CA; older notation c.3067-3_3067-2delCA).
Molecular consequence: splice acceptor variant.
Genome position (GRCh38, 1-based): chr5:14,369,371-14,369,372, CA deleted; deleting any 2 consecutive bases within chr5:14,369,369-14,369,372 gives the same sequence; the c. name uses the placement nearest the transcript's 3' end. VCF-style (leftmost placement, unchanged base first): chr5-14369368-TCA-T. GRCh37 (hg19) VCF-style: chr5-14369477-TCA-T.
Identifiers: ClinVar variation 3384359 (VCV003384359.2).

ClinVar aggregate classification (germline): Uncertain significance (1 of 4 stars; one submission).

Submission:

GeneDx
Classification: Uncertain significance. Last evaluated: 2025-02-03. Review status: criteria provided, single submitter. Criteria: GeneDx Variant Classification Process June 2021. Collection method: clinical testing. Allele origin: germline.
Comment: Not observed at significant frequency in large population cohorts (gnomAD); In silico analysis indicates that this variant does not alter splicing; Has not been previously published as pathogenic or benign to our knowledge